The following is an entry in ClinVar:

ClinVar aggregate classification (germline): Uncertain significance (1 of 4 stars; one submission).

Conditions:
Dilated cardiomyopathy 1JJ (CMD1JJ). Identifiers: Orphanet 154, MedGen C3808935, MONDO:0014095, OMIM 615235.

Submission:

Labcorp Genetics (formerly Invitae), Labcorp
Classification: Uncertain significance for Dilated cardiomyopathy 1JJ. Last evaluated: 2019-09-11. Review status: criteria provided, single submitter. Criteria: Invitae Variant Classification Sherloc (09022015). Collection method: clinical testing. Allele origin: germline.
Comment: This sequence change replaces arginine with leucine at codon 1495 of the LAMA4 protein (p.Arg1495Leu). The arginine residue is moderately conserved and there is a moderate physicochemical difference between arginine and leucine. This variant is not present in population databases (ExAC no frequency). This variant has not been reported in the literature in individuals with LAMA4-related conditions. Algorithms developed to predict the effect of missense changes on protein structure and function are either unavailable or do not agree on the potential impact of this missense change (SIFT: "Deleterious"; PolyPhen-2: "Benign"; Align-GVGD: "Class C0"). In summary, the available evidence is currently insufficient to determine the role of this variant in disease. Therefore, it has been classified as a Variant of Uncertain Significance.

NM_001105206.3(LAMA4):c.4505G>T (p.Arg1502Leu)

Gene: LAMA4 (laminin subunit alpha 4; minus strand). Cytogenetic location: 6q21.
Variant type: single nucleotide variant.
Coding change: c.4505G>T on transcript NM_001105206.3 (MANE Select); coding-DNA position 4505, G replaced by T.
Protein change: p.Arg1502Leu; replaces arginine 1502 with leucine.
Molecular consequence: missense variant.
Genome position (GRCh38, 1-based): chr6:112,120,443, C>A on the plus strand (G>T on the coding strand, the complement: LAMA4 is on the minus strand). VCF-style: chr6-112120443-C-A. GRCh37 (hg19) VCF-style: chr6-112441646-C-A.
Other names: c.4484G>T, p.Arg1495Leu (NM_001105207.3, NM_002290.5); short protein forms R1495L, R1502L.
Identifiers: ClinVar variation 964597 (VCV000964597.9), dbSNP rs781976795, ClinGen allele CA365369975.